The following is an entry in ClinVar:

NM_015346.4(ZFYVE26):c.1435+138C>G

Gene: ZFYVE26 (zinc finger FYVE-type containing 26; minus strand). Cytogenetic location: 14q24.1.
Variant type: single nucleotide variant.
Coding change: c.1435+138C>G on transcript NM_015346.4 (MANE Select); 138 bases into the intron after coding-DNA position 1435, C replaced by G.
Molecular consequence: intron variant.
Genome position (GRCh38, 1-based): chr14:67,803,963, G>C on the plus strand (C>G on the coding strand, the complement: ZFYVE26 is on the minus strand). VCF-style: chr14-67803963-G-C. GRCh37 (hg19) VCF-style: chr14-68270680-G-C.
Identifiers: ClinVar variation 678188 (VCV000678188.1), dbSNP rs114046233, ClinGen allele CA262872436.

ClinVar aggregate classification (germline): Benign (1 of 4 stars; one submission).

Allele frequency attached by ClinVar (database versions not stated): gnomAD exomes 0.00901; 1000 Genomes Project 0.01957; 1000 Genomes Project 30x 0.02108; gnomAD 0.02500 and 0.02672; TOPMed 0.02829.
gnomAD v4.1: 12,660 of 1,109,758 alleles (1.1%); highest among the groups gnomAD compares: African/African-American, 7%; 210 homozygotes.

Submission:

GeneDx
Classification: Benign. Last evaluated: 2018-06-14. Review status: criteria provided, single submitter. Criteria: GeneDx Variant Classification (06012015). Collection method: clinical testing. Allele origin: germline. Affected: yes.
Comment: This variant is considered likely benign or benign based on one or more of the following criteria: it is a conservative change, it occurs at a poorly conserved position in the protein, it is predicted to be benign by multiple in silico algorithms, and/or has population frequency not consistent with disease.